The following is an entry in ClinVar:

Conditions:
Breast-ovarian cancer, familial, susceptibility to, 1 (BROVCA1). Also called: BRCA1 Hereditary Breast and Ovarian Cancer; OVARIAN CANCER, SUSCEPTIBILITY TO. Identifiers: Orphanet 145, MedGen C2676676, MONDO:0011450, OMIM 604370. Disease mechanism: loss of function.

Submission:

Brotman Baty Institute, University of Washington
No classification provided (evidence only). Condition: Breast-ovarian cancer, familial 1. Review status: no classification provided. Collection method: in vitro. Allele origin: not applicable. Functional consequence: functionally_normal.
ClinVar note: "not provided" was previously submitted as the classification for the variant. However, the classification appeared to be based only on an observation of functional data so it was converted to no classification on 2025-07-30.

NM_007294.4(BRCA1):c.5491C>G (p.Pro1831Ala)

Gene: BRCA1 (BRCA1 DNA repair associated; minus strand). Cytogenetic location: 17q21.31.
Variant type: single nucleotide variant.
Coding change: c.5491C>G on transcript NM_007294.4 (MANE Select); coding-DNA position 5491, C replaced by G.
Protein change: p.Pro1831Ala; replaces proline 1831 with alanine.
Molecular consequence: missense variant. On other transcripts: 3 prime UTR variant (1), non-coding transcript variant (1).
Genome position (GRCh38, 1-based): chr17:43,045,779, G>C on the plus strand (C>G on the coding strand, the complement: BRCA1 is on the minus strand). VCF-style: chr17-43045779-G-C. GRCh37 (hg19) VCF-style: chr17-41197796-G-C.
Other names: c.5491C>G, p.Pro1831Ala (NM_001407598.1, NM_001407602.1, NM_001407603.1 and 5 more transcripts); c.5488C>G, p.Pro1830Ala (NM_001407610.1, NM_001407611.1, NM_001407612.1 and 14 more transcripts); c.5485C>G, p.Pro1829Ala (NM_001407627.1, NM_001407628.1, NM_001407629.1 and 13 more transcripts); c.5482C>G, p.Pro1828Ala (NM_001407645.1, NM_001407644.1); c.5479C>G, p.Pro1827Ala (NM_001407646.1); c.5476C>G, p.Pro1826Ala (NM_001407647.1); c.5434C>G, p.Pro1812Ala (NM_001407648.1); c.5431C>G, p.Pro1811Ala (NM_001407649.1); and 74 more; short protein forms P1784A, P1831A, P1852A, P727A, P1677A, P1719A, P1763A, P1787A.
Identifiers: ClinVar variation 867594 (VCV000867594.3), dbSNP rs768239314, ClinGen allele CA10590323.